The following is an entry in ClinVar:

ClinVar aggregate classification (germline): Conflicting classifications of pathogenicity. Review status: criteria provided, conflicting classifications (1 of 4 stars). 4 submissions from 4 submitters: Uncertain significance (3); Likely benign (1). Last evaluated 2025-07-30.

Conditions:
Hereditary cancer-predisposing syndrome. Also called: Neoplastic Syndromes, Hereditary; Tumor predisposition; Hereditary Cancer Syndrome; Hereditary neoplastic syndrome. Identifiers: Orphanet 140162, MedGen C0027672, MeSH D009386, MONDO:0015356.
Familial cancer of breast. Also called: BREAST CANCER, FAMILIAL; hereditary breast carcinoma; Hereditary breast cancer. Identifiers: Orphanet 227535, MedGen C0346153, MONDO:0016419, OMIM 114480. Disease mechanism: loss of function.
Hereditary breast ovarian cancer syndrome. Also called: BRCA1- and BRCA2-Associated Hereditary Breast and Ovarian Cancer; Hereditary breast and ovarian cancer syndrome; Hereditary breast and ovarian cancer; Hereditary breast and ovarian cancer syndrome (HBOC); Breast and ovarian cancer; Hereditary breast and/or ovarian cancer syndrome. Identifiers: Orphanet 145, MedGen C0677776, MeSH D061325, MONDO:0003582. Disease mechanism: loss of function.

Allele frequency attached by ClinVar (database versions not stated): TOPMed below 0.00001.

Submissions (4):

Labcorp Genetics (formerly Invitae), Labcorp
Classification: Uncertain significance for Hereditary breast ovarian cancer syndrome. Last evaluated: 2025-07-30. Review status: criteria provided, single submitter. Criteria: Invitae Variant Classification Sherloc (09022015). Collection method: clinical testing. Allele origin: germline.
Comment: This sequence change replaces asparagine, which is neutral and polar, with aspartic acid, which is acidic and polar, at codon 3164 of the BRCA2 protein (p.Asn3164Asp). This variant is not present in population databases (gnomAD no frequency). This variant has not been reported in the literature in individuals affected with BRCA2-related conditions. ClinVar contains an entry for this variant (Variation ID: 230495). Invitae Evidence Modeling of protein sequence and biophysical properties (such as structural, functional, and spatial information, amino acid conservation, physicochemical variation, residue mobility, and thermodynamic stability) indicates that this missense variant is not expected to disrupt BRCA2 protein function with a negative predictive value of 95%. In summary, the available evidence is currently insufficient to determine the role of this variant in disease. Therefore, it has been classified as a Variant of Uncertain Significance.

Color Diagnostics, LLC DBA Color Health
Classification: Uncertain significance for Hereditary cancer-predisposing syndrome. Last evaluated: 2025-07-15. Review status: criteria provided, single submitter. Criteria: ACMG Guidelines, 2015. Collection method: clinical testing. Allele origin: germline.
Comment: This missense variant replaces asparagine with aspartic acid at codon 3164 of the BRCA2 protein. Computational prediction suggests that this variant may not impact protein structure and function. To our knowledge, functional studies have not been reported for this variant. This variant has not been reported in individuals affected with BRCA2-related disorders in the literature. This variant has not been identified in the general population by the Genome Aggregation Database (gnomAD). The available evidence is insufficient to determine the role of this variant in disease conclusively. Therefore, this variant is classified as a Variant of Uncertain Significance.

Ambry Genetics
Classification: Likely benign for Hereditary cancer-predisposing syndrome. Last evaluated: 2025-05-16. Review status: criteria provided, single submitter. Criteria: Ambry Variant Classification Scheme 2023. Collection method: clinical testing. Allele origin: germline.

Baylor Genetics
Classification: Uncertain significance for Familial cancer of breast. Last evaluated: 2023-07-10. Review status: criteria provided, single submitter. Criteria: ACMG Guidelines, 2015. Collection method: clinical testing. Allele origin: unknown.

NM_000059.4(BRCA2):c.9490A>G (p.Asn3164Asp)

Gene: BRCA2 (BRCA2 DNA repair associated; plus strand). Cytogenetic location: 13q13.1.
Variant type: single nucleotide variant.
Coding change: c.9490A>G on transcript NM_000059.4 (MANE Select); coding-DNA position 9490, A replaced by G.
Protein change: p.Asn3164Asp; replaces asparagine 3164 with aspartic acid.
Molecular consequence: missense variant.
Genome position (GRCh38, 1-based): chr13:32,394,922, A>G. VCF-style: chr13-32394922-A-G. GRCh37 (hg19) VCF-style: chr13-32969059-A-G.
Other names: short protein forms N3164D.
Identifiers: ClinVar variation 230495 (VCV000230495.20), dbSNP rs876658597, ClinGen allele CA10579833.